The following is an entry in ClinVar:

ClinVar aggregate classification (germline): Uncertain significance. Review status: criteria provided, multiple submitters, no conflicts (2 of 4 stars). 2 submissions from 2 submitters: Uncertain significance (2). Last evaluated 2024-11-14.

Conditions:
PEX1-related disorder. Also called: PEX1-related condition.

Allele frequency attached by ClinVar (database versions not stated): gnomAD 0.00001.
gnomAD v4.1: 1 of 1,611,360 alleles (0.000062%); highest among the groups gnomAD compares: Non-Finnish European, 0.000085%; no homozygotes.

Submissions (2):

Blueprint Genetics
Classification: Uncertain significance. Last evaluated: 2024-11-14. Review status: criteria provided, single submitter. Criteria: ACMG Guidelines, 2015. Collection method: clinical testing. Allele origin: germline.

PreventionGenetics, part of Exact Sciences
Classification: Uncertain significance for PEX1-related condition. Last evaluated: 2022-12-07. Review status: criteria provided, single submitter. Criteria: ACMG Guidelines, 2015. Collection method: clinical testing. Allele origin: germline.
Comment: The PEX1 c.3415G>C variant is predicted to result in the amino acid substitution p.Gly1139Arg. To our knowledge, this variant has not been reported in the literature or in a large population database, indicating this variant is rare. At this time, the clinical significance of this variant is uncertain due to the absence of conclusive functional and genetic evidence.

NM_000466.3(PEX1):c.3415G>C (p.Gly1139Arg)

Genes: GATAD1 (GATA zinc finger domain containing 1; plus strand), PEX1 (peroxisomal biogenesis factor 1; minus strand). Cytogenetic location: 7q21.2.
Variant type: single nucleotide variant.
Coding change: c.3415G>C on transcript NM_000466.3 (MANE Select); coding-DNA position 3415, G replaced by C.
Protein change: p.Gly1139Arg; replaces glycine 1139 with arginine.
Molecular consequence: missense variant.
Genome position (GRCh38, 1-based): chr7:92,491,295, C>G on the plus strand (G>C on the coding strand, the complement: PEX1 is on the minus strand). VCF-style: chr7-92491295-C-G. GRCh37 (hg19) VCF-style: chr7-92120609-C-G.
Other names: c.3244G>C, p.Gly1082Arg (NM_001282677.2); c.2791G>C, p.Gly931Arg (NM_001282678.2); short protein forms G1082R, G1139R, G931R.
Identifiers: ClinVar variation 2634617 (VCV002634617.2), dbSNP rs1300789902, ClinGen allele CA368163342.
Genomic context (GRCh38, chr7:92,491,295, plus strand): 5'-TATTTCAGAACTGTATAATGATGACTGCACAAGATACCAAATCAGAAGAGGTTCCATTTC[C>G]AAGTTCTGATTCATAAGAGCTTCCAAAGTAGAGCCGGTACATATTGAATTTTGATTCATC-3'
Protein context (NP_000457.1, residues 1129-1149): YFGSSYESEL[Gly1139Arg]NGTSSDLSSQ